The following is an entry in ClinVar:

NM_004727.3(SLC24A1):c.1048C>T (p.Pro350Ser)

Gene: SLC24A1 (solute carrier family 24 member 1; plus strand). Cytogenetic location: 15q22.31.
Variant type: single nucleotide variant.
Coding change: c.1048C>T on transcript NM_004727.3 (MANE Select); coding-DNA position 1048, C replaced by T.
Protein change: p.Pro350Ser; replaces proline 350 with serine.
Molecular consequence: missense variant.
Genome position (GRCh38, 1-based): chr15:65,625,128, C>T. VCF-style: chr15-65625128-C-T. GRCh37 (hg19) VCF-style: chr15-65917466-C-T.
Other names: c.1048C>T, p.Pro350Ser (NM_001301031.1, NM_001301032.1, NM_001301033.2); short protein forms P350S.
Identifiers: ClinVar variation 934219 (VCV000934219.9), dbSNP rs2074461401, ClinGen allele CA392916590.

ClinVar aggregate classification (germline): Uncertain significance (1 of 4 stars; one submission).

Submission:

Labcorp Genetics (formerly Invitae), Labcorp
Classification: Uncertain significance. Last evaluated: 2022-09-06. Review status: criteria provided, single submitter. Criteria: Invitae Variant Classification Sherloc (09022015). Collection method: clinical testing. Allele origin: germline.
Comment: Algorithms developed to predict the effect of missense changes on protein structure and function output the following: SIFT: "Tolerated"; PolyPhen-2: "Benign"; Align-GVGD: "Class C0". The serine amino acid residue is found in multiple mammalian species, which suggests that this missense change does not adversely affect protein function. ClinVar contains an entry for this variant (Variation ID: 934219). This variant has not been reported in the literature in individuals affected with SLC24A1-related conditions. This variant is not present in population databases (gnomAD no frequency). This sequence change replaces proline, which is neutral and non-polar, with serine, which is neutral and polar, at codon 350 of the SLC24A1 protein (p.Pro350Ser). In summary, the available evidence is currently insufficient to determine the role of this variant in disease. Therefore, it has been classified as a Variant of Uncertain Significance.